The following is an entry in ClinVar:

ClinVar aggregate classification (germline): Uncertain significance. Review status: criteria provided, multiple submitters, no conflicts (2 of 4 stars). 2 submissions from 2 submitters: Uncertain significance (2). Last evaluated 2021-08-28.

Conditions:
Peroxisome biogenesis disorder 7A (Zellweger). Also called: Peroxisome biogenesis disorder 7A. Identifiers: Orphanet 912, MedGen C3888385, MONDO:0013938, OMIM 614872.
Peroxisome biogenesis disorder 7B (PBD7B). Identifiers: Orphanet 44, MedGen C3553951, MONDO:0013939, OMIM 614873.

Allele frequency attached by ClinVar (database versions not stated): gnomAD exomes below 0.00001 and 0.00001; ExAC 0.00001; gnomAD 0.00001.
gnomAD v4.1: 13 of 1,614,036 alleles (0.00081%); highest among the groups gnomAD compares: East Asian, 0.0022%; no homozygotes.

Submissions (2):

Labcorp Genetics (formerly Invitae), Labcorp
Classification: Uncertain significance for Peroxisome biogenesis disorder 7A (Zellweger); Peroxisome biogenesis disorder 7B. Last evaluated: 2021-08-28. Review status: criteria provided, single submitter. Criteria: Invitae Variant Classification Sherloc (09022015). Collection method: clinical testing. Allele origin: germline.
Comment: This sequence change replaces serine with phenylalanine at codon 242 of the PEX26 protein (p.Ser242Phe). The serine residue is highly conserved and there is a large physicochemical difference between serine and phenylalanine. This variant is present in population databases (rs779828574, ExAC 0.001%). This variant has not been reported in the literature in individuals affected with PEX26-related conditions. ClinVar contains an entry for this variant (Variation ID: 593518). Algorithms developed to predict the effect of missense changes on protein structure and function output the following: SIFT: "Tolerated"; PolyPhen-2: "Benign"; Align-GVGD: "Class C0". The phenylalanine amino acid residue is found in multiple mammalian species, which suggests that this missense change does not adversely affect protein function. In summary, the available evidence is currently insufficient to determine the role of this variant in disease. Therefore, it has been classified as a Variant of Uncertain Significance.

Eurofins Ntd Llc (ga)
Classification: Uncertain significance. Last evaluated: 2017-08-04. Review status: criteria provided, single submitter. Criteria: EGL Classification Definitions 2015. Collection method: clinical testing. Allele origin: germline. Observed: 1 variant allele, 1 heterozygote.

NM_001127649.3(PEX26):c.725C>T (p.Ser242Phe)

Gene: PEX26 (peroxisomal biogenesis factor 26; plus strand). Cytogenetic location: 22q11.21.
Variant type: single nucleotide variant.
Coding change: c.725C>T on transcript NM_001127649.3 (MANE Select); coding-DNA position 725, C replaced by T.
Protein change: p.Ser242Phe; replaces serine 242 with phenylalanine.
Molecular consequence: missense variant. On other transcripts: intron variant (1).
Genome position (GRCh38, 1-based): chr22:18,085,169, C>T. VCF-style: chr22-18085169-C-T. GRCh37 (hg19) VCF-style: chr22-18567935-C-T.
Other names: c.725C>T, p.Ser242Phe (NM_017929.6); c.667+1437C>T (NM_001199319.2); short protein forms S242F.
Identifiers: ClinVar variation 593518 (VCV000593518.9), dbSNP rs779828574, ClinGen allele CA10093401.